The following is an entry in ClinVar:

NM_000321.3(RB1):c.2386C>T (p.Pro796Ser)

Gene: RB1 (RB transcriptional corepressor 1; plus strand). Cytogenetic location: 13q14.2.
Variant type: single nucleotide variant.
Coding change: c.2386C>T on transcript NM_000321.3 (MANE Select); coding-DNA position 2386, C replaced by T.
Protein change: p.Pro796Ser; replaces proline 796 with serine.
Molecular consequence: missense variant.
Genome position (GRCh38, 1-based): chr13:48,465,265, C>T. VCF-style: chr13-48465265-C-T. GRCh37 (hg19) VCF-style: chr13-49039401-C-T.
Other names: c.2386C>T, p.Pro796Ser (NM_001407165.1); short protein forms P796S.
Identifiers: ClinVar variation 2108719 (VCV002108719.5), dbSNP rs2138345735, ClinGen allele CA388167873.
Genomic context (GRCh38, chr13:48,465,265, plus strand): 5'-CCCCCTACCTTGTCACCAATACCTCACATTCCTCGAAGCCCTTACAAGTTTCCTAGTTCA[C>T]CCTTACGGATTCCTGGAGGGAACATCTATATTTCACCCCTGAAGAGTCCATATAAAATTT-3'
Protein context (NP_000312.2, residues 786-806): PRSPYKFPSS[Pro796Ser]LRIPGGNIYI

ClinVar aggregate classification (germline): Uncertain significance. Review status: criteria provided, multiple submitters, no conflicts (2 of 4 stars). 2 submissions from 2 submitters: Uncertain significance (2). Last evaluated 2025-12-08.

Conditions:
Hereditary cancer-predisposing syndrome. Also called: Neoplastic Syndromes, Hereditary; Hereditary Cancer Syndrome; Hereditary neoplastic syndrome; Tumor predisposition. Identifiers: Orphanet 140162, MedGen C0027672, MeSH D009386, MONDO:0015356.
Retinoblastoma (RB1). Also called: RETINOBLASTOMA, SOMATIC. Identifiers: Orphanet 790, MedGen C0035335, MeSH D012175, MONDO:0008380, OMIM 180200, HP:0009919. Disease mechanism: loss of function. Inheritance: Both sporadic and heritable forms are tested..

Allele frequency attached by ClinVar (database versions not stated): gnomAD exomes below 0.00001.
gnomAD v4.1: 1 of 1,613,358 alleles (0.000062%); highest among the groups gnomAD compares: Non-Finnish European, 0.000085%; no homozygotes.

Submissions (2):

Labcorp Genetics (formerly Invitae), Labcorp
Classification: Uncertain significance for Retinoblastoma. Last evaluated: 2025-12-08. Review status: criteria provided, single submitter. Criteria: Invitae Variant Classification Sherloc (09022015). Collection method: clinical testing. Allele origin: germline.
Comment: This sequence change replaces proline, which is neutral and non-polar, with serine, which is neutral and polar, at codon 796 of the RB1 protein (p.Pro796Ser). This variant is not present in population databases (gnomAD no frequency). This variant has not been reported in the literature in individuals affected with RB1-related conditions. ClinVar contains an entry for this variant (Variation ID: 2108719). Invitae Evidence Modeling of protein sequence and biophysical properties (such as structural, functional, and spatial information, amino acid conservation, physicochemical variation, residue mobility, and thermodynamic stability) indicates that this missense variant is expected to disrupt RB1 protein function with a positive predictive value of 80%. In summary, the available evidence is currently insufficient to determine the role of this variant in disease. Therefore, it has been classified as a Variant of Uncertain Significance.

Ambry Genetics
Classification: Uncertain significance for Hereditary cancer-predisposing syndrome. Last evaluated: 2025-06-15. Review status: criteria provided, single submitter. Criteria: Ambry Variant Classification Scheme 2023. Collection method: clinical testing. Allele origin: germline.
Comment: The p.P796S variant (also known as c.2386C>T), located in coding exon 23 of the RB1 gene, results from a C to T substitution at nucleotide position 2386. The proline at codon 796 is replaced by serine, an amino acid with similar properties. This amino acid position is conserved. In addition, the in silico prediction for this alteration is inconclusive. Based on the available evidence, the clinical significance of this variant remains unclear.